The following is an entry in ClinVar:

NM_014946.4(SPAST):c.1493G>C (p.Arg498Thr)

Gene: SPAST (spastin; plus strand). Cytogenetic location: 2p22.3.
Variant type: single nucleotide variant.
Coding change: c.1493G>C on transcript NM_014946.4 (MANE Select); coding-DNA position 1493, G replaced by C.
Protein change: p.Arg498Thr; replaces arginine 498 with threonine.
Molecular consequence: missense variant.
Genome position (GRCh38, 1-based): chr2:32,137,188, G>C. VCF-style: chr2-32137188-G-C. GRCh37 (hg19) VCF-style: chr2-32362257-G-C.
Other names: c.1490G>C, p.Arg497Thr (NM_001363823.2); c.1394G>C, p.Arg465Thr (NM_001363875.2); c.1397G>C, p.Arg466Thr (NM_001377959.1, NM_199436.2); short protein forms R465T, R466T, R497T, R498T.
Identifiers: ClinVar variation 1335894 (VCV001335894.4), dbSNP rs2148754411, ClinGen allele CA346502548.

ClinVar aggregate classification (germline): Likely pathogenic (1 of 4 stars; one submission).

Conditions:
Hereditary spastic paraplegia 4. Also called: Spastic Paraplegia 4; Familial spastic paraplegia autosomal dominant 2; Spastic paraplegia 4, autosomal dominant. Identifiers: Orphanet 100985, MedGen C1866855, MONDO:0008438, OMIM 182601.

Submission:

Athena Diagnostics
Classification: Likely pathogenic. Last evaluated: 2022-03-28. Review status: criteria provided, single submitter. Criteria: Athena Diagnostics Criteria. Collection method: clinical testing. Allele origin: unknown.
Comment: This variant has not been reported in large, multi-ethnic general populations. This variant has been identified in at least one individual with clinical features associated with this gene. Multiple missense variants at this codon, including at least one considered to be pathogenic or likely pathogenic, have been reported in individuals with clinical features associated with this gene, suggesting this variant may also cause disease. Computational tools predict that this variant is damaging. Computational tools yielded predictions that this variant may interfere with normal RNA splicing.

Literature cited by the submitters: PubMed 16832076 (cited by Athena Diagnostics); PubMed 30489674 (cited by Athena Diagnostics).